The following is an entry in ClinVar:

NM_015662.3(IFT172):c.2883G>A (p.Ala961=)

Gene: IFT172 (intraflagellar transport 172; minus strand). Cytogenetic location: 2p23.3.
Variant type: single nucleotide variant.
Coding change: c.2883G>A on transcript NM_015662.3 (MANE Select); coding-DNA position 2883, G replaced by A.
Protein change: p.Ala961=; no amino-acid change (alanine 961 retained).
Molecular consequence: synonymous variant.
Genome position (GRCh38, 1-based): chr2:27,458,218, C>T on the plus strand (G>A on the coding strand, the complement: IFT172 is on the minus strand). VCF-style: chr2-27458218-C-T. GRCh37 (hg19) VCF-style: chr2-27681085-C-T.
Other names: c.2817G>A, p.Ala939= (NM_001410739.1); c.2883G>A (NM_015662.2).
Identifiers: ClinVar variation 2028790 (VCV002028790.7), dbSNP rs200597660, ClinGen allele CA1580145.

ClinVar aggregate classification (germline): Likely benign. Review status: criteria provided, multiple submitters, no conflicts (2 of 4 stars). 3 submissions from 3 submitters: Likely benign (2). 1 of the submissions does not count toward it. Last evaluated 2025-12-11.

Conditions:
IFT172-related disorder. Also called: IFT172-related disorders; IFT172-related condition.
Short-rib thoracic dysplasia 10 with or without polydactyly (SRTD10). Identifiers: Orphanet 474, MedGen C3810175, MONDO:0014284, OMIM 615630.
Retinitis pigmentosa 71 (RP71). Identifiers: Orphanet 791, MedGen C4225342, MONDO:0014618, OMIM 616394.

Allele frequency attached by ClinVar (database versions not stated): gnomAD 0.00003; gnomAD exomes 0.00005; TOPMed 0.00005; ExAC 0.00006; ESP Exome Variant Server 0.00008.
gnomAD v4.1: 78 of 1,613,924 alleles (0.0048%); highest among the groups gnomAD compares: Middle Eastern, 0.016%; no homozygotes.

Submissions (3):

Labcorp Genetics (formerly Invitae), Labcorp
Classification: Likely benign for Retinitis pigmentosa 71; Short-rib thoracic dysplasia 10 with or without polydactyly. Last evaluated: 2025-12-11. Review status: criteria provided, single submitter. Criteria: Invitae Variant Classification Sherloc (09022015). Collection method: clinical testing. Allele origin: germline.

Blueprint Genetics
Classification: Likely benign. Last evaluated: 2024-10-16. Review status: criteria provided, single submitter. Criteria: ACMG Guidelines, 2015. Collection method: clinical testing. Allele origin: germline.

PreventionGenetics, part of Exact Sciences
Classification: Likely benign for IFT172-related condition. Last evaluated: 2023-02-01. Review status: no assertion criteria provided. Collection method: clinical testing. Allele origin: germline. Not counted in ClinVar's aggregate classification.
Comment: This variant is classified as likely benign based on ACMG/AMP sequence variant interpretation guidelines (Richards et al. 2015 PMID: 25741868, with internal and published modifications).